The following is an entry in ClinVar:

ClinVar aggregate classification (germline): Likely benign. Review status: criteria provided, multiple submitters, no conflicts (2 of 4 stars). 2 submissions from 2 submitters: Likely benign (2). Last evaluated 2025-08-14.

Conditions:
Hypertrophic cardiomyopathy. Also called: HYPERTROPHIC MYOCARDIOPATHY. Identifiers: Orphanet 217569, MedGen C0007194, MeSH D002312, MONDO:0005045, HP:0001639.

Allele frequency attached by ClinVar (database versions not stated): gnomAD exomes below 0.00001 and 0.00001; ExAC 0.00001.
gnomAD v4.1: 3 of 1,613,286 alleles (0.00019%); highest among the groups gnomAD compares: Admixed American, 0.0033%; no homozygotes.

Submissions (2):

Labcorp Genetics (formerly Invitae), Labcorp
Classification: Likely benign for Hypertrophic cardiomyopathy. Last evaluated: 2025-08-14. Review status: criteria provided, single submitter. Criteria: Invitae Variant Classification Sherloc (09022015). Collection method: clinical testing. Allele origin: germline.

Women's Health and Genetics/Laboratory Corporation of America, LabCorp
Classification: Likely benign. Last evaluated: 2025-01-09. Review status: criteria provided, single submitter. Criteria: LabCorp Variant Classification Summary - May 2015. Collection method: clinical testing. Allele origin: germline.
Comment: Variant summary: MYH7 c.201+13C>T alters a nucleotide located at a position not widely known to affect splicing. Consensus agreement among computation tools predict no significant impact on normal splicing. However, these predictions have yet to be confirmed by functional studies. The variant allele was found at a frequency of 8e-06 in 250962 control chromosomes. The available data on variant occurrences in the general population are insufficient to allow any conclusion about variant significance. To our knowledge, no occurrence of c.201+13C>T in individuals affected with Cardiomyopathy and no experimental evidence demonstrating its impact on protein function have been reported. ClinVar contains an entry for this variant (Variation ID: 1465373). Based on the evidence outlined above, the variant was classified as likely benign.

NM_000257.4(MYH7):c.201+13C>T

Gene: MYH7 (myosin heavy chain 7; minus strand). Cytogenetic location: 14q11.2.
Variant type: single nucleotide variant.
Coding change: c.201+13C>T on transcript NM_000257.4 (MANE Select); 13 bases into the intron after coding-DNA position 201, C replaced by T.
Molecular consequence: intron variant.
Genome position (GRCh38, 1-based): chr14:23,433,519, G>A on the plus strand (C>T on the coding strand, the complement: MYH7 is on the minus strand). VCF-style: chr14-23433519-G-A. GRCh37 (hg19) VCF-style: chr14-23902728-G-A.
Identifiers: ClinVar variation 1465373 (VCV001465373.9), dbSNP rs781529698, ClinGen allele CA030663.